The following is an entry in ClinVar:

NM_133642.5(LARGE1):c.132G>A (p.Pro44=)

Gene: LARGE1 (LARGE xylosyl- and glucuronyltransferase 1; minus strand). Cytogenetic location: 22q12.3.
Variant type: single nucleotide variant.
Coding change: c.132G>A on transcript NM_133642.5 (MANE Select); coding-DNA position 132, G replaced by A.
Protein change: p.Pro44=; no amino-acid change (proline 44 retained).
Molecular consequence: synonymous variant.
Genome position (GRCh38, 1-based): chr22:33,650,643, C>T on the plus strand (G>A on the coding strand, the complement: LARGE1 is on the minus strand). VCF-style: chr22-33650643-C-T. GRCh37 (hg19) VCF-style: chr22-34046629-C-T.
Other names: c.132G>A, p.Pro44= (NM_001362949.2, NM_001362951.2, NM_001362953.2 and 7 more transcripts); c.132G>A (NM_004737.5).
Identifiers: ClinVar variation 2421267 (VCV002421267.11), dbSNP rs770267233, ClinGen allele CA10203148.
Genomic context (GRCh38, chr22:33,650,643, plus strand): 5'-GCTCTCGCGCTCCCGCTGGCTGGAGGCCGTGTACCTGGGGCTGTGTGCCTGGGACTCCAG[C>T]GGTGACAGAGACACGGGCTTTCCATCTGGGGAGCGAAACACCAGGGAAGCTTTAATCTGG-3'
Protein context (NP_598397.1, residues 34-54): FEDGKPVSLS[Pro44=]LESQAHSPRY

ClinVar aggregate classification (germline): Likely benign. Review status: criteria provided, single submitter (1 of 4 stars). 2 submissions from 2 submitters: Likely benign (1). 1 of the submissions does not count toward it. Last evaluated 2024-10-28.

Conditions:
LARGE1-related disorder. Also called: LARGE1-related condition.
Muscular dystrophy-dystroglycanopathy type B6 (MDDGB6). Also called: MUSCULAR DYSTROPHY-DYSTROGLYCANOPATHY (CONGENITAL WITH IMPAIRED INTELLECTUAL DEVELOPMENT), TYPE B, 6; MUSCULAR DYSTROPHY, CONGENITAL, LARGE-RELATED; MUSCULAR DYSTROPHY, CONGENITAL, TYPE 1D. Identifiers: MedGen C1837229, MONDO:0012138, OMIM 608840.

Allele frequency attached by ClinVar (database versions not stated): ExAC 0.00002.
gnomAD v4.1: 12 of 1,602,088 alleles (0.00075%); highest among the groups gnomAD compares: South Asian, 0.0044%; no homozygotes.

Submissions (2):

Labcorp Genetics (formerly Invitae), Labcorp
Classification: Likely benign for Muscular dystrophy-dystroglycanopathy type B6. Last evaluated: 2024-10-28. Review status: criteria provided, single submitter. Criteria: Invitae Variant Classification Sherloc (09022015). Collection method: clinical testing. Allele origin: germline.

PreventionGenetics, part of Exact Sciences
Classification: Likely benign for LARGE1-related condition. Last evaluated: 2019-08-27. Review status: no assertion criteria provided. Collection method: clinical testing. Allele origin: germline. Not counted in ClinVar's aggregate classification.
Comment: This variant is classified as likely benign based on ACMG/AMP sequence variant interpretation guidelines (Richards et al. 2015 PMID: 25741868, with internal and published modifications).